The following is an entry in ClinVar:

ClinVar aggregate classification (germline): Uncertain significance. Review status: criteria provided, multiple submitters, no conflicts (2 of 4 stars). 2 submissions from 2 submitters: Uncertain significance (2). Last evaluated 2025-04-21.

Allele frequency attached by ClinVar (database versions not stated): ExAC 0.00001.
gnomAD v4.1: 6 of 1,613,444 alleles (0.00037%); highest among the groups gnomAD compares: South Asian, 0.0011%; no homozygotes.

Submissions (2):

Ambry Genetics
Classification: Uncertain significance. Last evaluated: 2025-04-21. Review status: criteria provided, single submitter. Criteria: Ambry Variant Classification Scheme 2023. Collection method: clinical testing. Allele origin: germline.

Labcorp Genetics (formerly Invitae), Labcorp
Classification: Uncertain significance. Last evaluated: 2022-03-29. Review status: criteria provided, single submitter. Criteria: Invitae Variant Classification Sherloc (09022015). Collection method: clinical testing. Allele origin: germline.
Comment: In summary, the available evidence is currently insufficient to determine the role of this variant in disease. Therefore, it has been classified as a Variant of Uncertain Significance. Algorithms developed to predict the effect of missense changes on protein structure and function (SIFT, PolyPhen-2, Align-GVGD) all suggest that this variant is likely to be disruptive. This variant has not been reported in the literature in individuals affected with IL6R-related conditions. This variant is present in population databases (rs773270678, gnomAD 0.004%). This sequence change replaces glutamic acid, which is acidic and polar, with lysine, which is basic and polar, at codon 115 of the IL6R protein (p.Glu115Lys).

NM_000565.4(IL6R):c.343G>A (p.Glu115Lys)

Gene: IL6R (interleukin 6 receptor; plus strand). Cytogenetic location: 1q21.3.
Variant type: single nucleotide variant.
Coding change: c.343G>A on transcript NM_000565.4 (MANE Select); coding-DNA position 343, G replaced by A.
Protein change: p.Glu115Lys; replaces glutamic acid 115 with lysine.
Molecular consequence: missense variant. On other transcripts: intron variant (1).
Genome position (GRCh38, 1-based): chr1:154,430,491, G>A. VCF-style: chr1-154430491-G-A. GRCh37 (hg19) VCF-style: chr1-154402967-G-A.
Other names: c.343G>A, p.Glu115Lys (NM_001382770.1, NM_001382771.1, NM_001382772.1 and 4 more transcripts); c.126+1255G>A (NM_001382774.1); c.343G>A (NM_000565.3); short protein forms E115K.
Identifiers: ClinVar variation 1967737 (VCV001967737.6), dbSNP rs773270678, ClinGen allele CA1129000.